The following is an entry in ClinVar:

ClinVar aggregate classification (germline): Uncertain significance (1 of 4 stars; one submission).

Conditions:
Hereditary cancer-predisposing syndrome. Also called: Neoplastic Syndromes, Hereditary; Tumor predisposition; Hereditary Cancer Syndrome; Hereditary neoplastic syndrome. Identifiers: Orphanet 140162, MedGen C0027672, MeSH D009386, MONDO:0015356.

Allele frequency attached by ClinVar (database versions not stated): gnomAD exomes below 0.00001.
gnomAD v4.1: 1 of 1,614,140 alleles (0.000062%); highest among the groups gnomAD compares: East Asian, 0.0022%; no homozygotes.

Submission:

Color Diagnostics, LLC DBA Color Health
Classification: Uncertain significance for Hereditary cancer-predisposing syndrome. Last evaluated: 2022-05-10. Review status: criteria provided, single submitter. Criteria: ACMG Guidelines, 2015. Collection method: clinical testing. Allele origin: germline.
Comment: This variant causes a T to G nucleotide substitution at the -6 position of intron 11 of the BMPR1A gene. To our knowledge, RNA studies have not been reported for this variant. This variant has not been reported in individuals affected with hereditary cancer in the literature. This variant has not been identified in the general population by the Genome Aggregation Database (gnomAD). The available evidence is insufficient to determine the role of this variant in disease conclusively. Therefore, this variant is classified as a Variant of Uncertain Significance.

NM_004329.3(BMPR1A):c.1343-6T>G

Gene: BMPR1A (bone morphogenetic protein receptor type 1A; plus strand). Cytogenetic location: 10q23.2.
Variant type: single nucleotide variant.
Coding change: c.1343-6T>G on transcript NM_004329.3 (MANE Select); 6 bases into the intron before coding-DNA position 1343, T replaced by G.
Molecular consequence: intron variant.
Genome position (GRCh38, 1-based): chr10:86,923,370, T>G. VCF-style: chr10-86923370-T-G. GRCh37 (hg19) VCF-style: chr10-88683127-T-G.
Other names: c.1343-6T>G (NM_001406562.1, NM_001406568.1, NM_001406567.1 and 19 more transcripts); c.1259-6T>G (NM_001406584.1, NM_001406588.1, NM_001406587.1 and 2 more transcripts); c.1391-6T>G (NM_001406560.1); c.1418-6T>G (NM_001406559.1); c.1337-6T>G (NM_001406583.1); c.1001-6T>G (NM_001406589.1).
Identifiers: ClinVar variation 2774817 (VCV002774817.2), dbSNP rs2539647621, ClinGen allele CA2610002092.